The following is an entry in ClinVar:

NM_017617.5(NOTCH1):c.6535C>T (p.Arg2179Trp)

Gene: NOTCH1 (notch receptor 1; minus strand). Cytogenetic location: 9q34.3.
Variant type: single nucleotide variant.
Coding change: c.6535C>T on transcript NM_017617.5 (MANE Select); coding-DNA position 6535, C replaced by T.
Protein change: p.Arg2179Trp; replaces arginine 2179 with tryptophan.
Molecular consequence: missense variant.
Genome position (GRCh38, 1-based): chr9:136,497,204, G>A on the plus strand (C>T on the coding strand, the complement: NOTCH1 is on the minus strand). VCF-style: chr9-136497204-G-A. GRCh37 (hg19) VCF-style: chr9-139391656-G-A.
Other names: c.6535C>T (NM_017617.3); short protein forms R2179W.
Identifiers: ClinVar variation 1979659 (VCV001979659.6), dbSNP rs768400804, ClinGen allele CA5339878.

ClinVar aggregate classification (germline): Conflicting classifications of pathogenicity. Review status: criteria provided, conflicting classifications (1 of 4 stars). 3 submissions from 3 submitters: Uncertain significance (1); Benign (1); Likely benign (1). Last evaluated 2025-01-14.

Conditions:
Adams-Oliver syndrome 5 (AOS5). Identifiers: Orphanet 974, MedGen C4014970, MONDO:0014459, OMIM 616028.

Allele frequency attached by ClinVar (database versions not stated): gnomAD 0.00001; ExAC 0.00002; TOPMed 0.00002.
gnomAD v4.1: 46 of 1,612,696 alleles (0.0029%); highest among the groups gnomAD compares: Non-Finnish European, 0.0037%; no homozygotes.

Submissions (3):

Labcorp Genetics (formerly Invitae), Labcorp
Classification: Benign for Adams-Oliver syndrome 5. Last evaluated: 2025-01-14. Review status: criteria provided, single submitter. Criteria: Invitae Variant Classification Sherloc (09022015). Collection method: clinical testing. Allele origin: germline.

Blueprint Genetics
Classification: Likely benign. Last evaluated: 2024-01-30. Review status: criteria provided, single submitter. Criteria: ACMG Guidelines, 2015. Collection method: clinical testing. Allele origin: germline.

GeneDx
Classification: Uncertain significance. Last evaluated: 2023-03-02. Review status: criteria provided, single submitter. Criteria: GeneDx Variant Classification Process June 2021. Collection method: clinical testing. Allele origin: germline. Affected: yes.
Comment: Identified as a variant of uncertain significance in one member of a family with sudden unexplained death (Lin et al., 2017); however, this individual had several other variants of uncertain significance, and an RYR2 variant thought to be the cause of the familial phenotype.; Not observed at significant frequency in large population cohorts (gnomAD); In silico analysis supports that this missense variant has a deleterious effect on protein structure/function; This variant is associated with the following publications: (PMID: 29132927)